The following is an entry in ClinVar:

NM_002485.5(NBN):c.1225del (p.Thr409fs)

Gene: NBN (nibrin; minus strand). Cytogenetic location: 8q21.3.
Variant type: Deletion.
Coding change: c.1225del on transcript NM_002485.5 (MANE Select); coding-DNA position 1225, one base deleted (A; older notation c.1225delA).
Protein change: p.Thr409fs; shifts the reading frame from threonine 409.
Molecular consequence: frameshift variant.
Genome position (GRCh38, 1-based): chr8:89,955,455, T deleted on the plus strand (A on the coding strand, the reverse complement: NBN is on the minus strand); the first of 4 consecutive T bases (chr8:89,955,455-89,955,458); deleting any one gives the same sequence. VCF-style (leftmost placement, unchanged base first): chr8-89955454-GT-G. GRCh37 (hg19) VCF-style: chr8-90967682-GT-G.
Other names: c.979del, p.Thr327fs (NM_001024688.3); short protein forms T409fs, T327fs.
Identifiers: ClinVar variation 1369725 (VCV001369725.7), dbSNP rs2129720423, ClinGen allele CA2573143342.

ClinVar aggregate classification (germline): Pathogenic/Likely pathogenic. Review status: criteria provided, multiple submitters, no conflicts (2 of 4 stars). 2 submissions from 2 submitters: Pathogenic (1); Likely pathogenic (1). Last evaluated 2023-08-30.

Conditions:
Aplastic anemia. Identifiers: Orphanet 182040, Orphanet 88, MedGen C0002874, MONDO:0015909, OMIM 609135, HP:0001915.
Microcephaly, normal intelligence and immunodeficiency (NBS). Also called: Nijmegen breakage syndrome; SEEMANOVA SYNDROME II; IMMUNODEFICIENCY, MICROCEPHALY, AND CHROMOSOMAL INSTABILITY; Immunodeficiency, microcephaly with normal intelligence; Ataxia telangiectasia variant V1; Microcephaly with normal intelligence immunodeficiency and lymphoreticular malignancies. Identifiers: Orphanet 647, MedGen C0398791, MONDO:0009623, OMIM 251260.

Submissions (2):

Baylor Genetics
Classification: Likely pathogenic for Aplastic anemia. Last evaluated: 2023-08-30. Review status: criteria provided, single submitter. Criteria: ACMG Guidelines, 2015. Collection method: clinical testing. Allele origin: unknown.

Labcorp Genetics (formerly Invitae), Labcorp
Classification: Pathogenic for Microcephaly, normal intelligence and immunodeficiency. Last evaluated: 2021-09-16. Review status: criteria provided, single submitter. Criteria: Invitae Variant Classification Sherloc (09022015). Collection method: clinical testing. Allele origin: germline.
Comment: This variant has not been reported in the literature in individuals affected with NBN-related conditions. For these reasons, this variant has been classified as Pathogenic. This variant is not present in population databases (ExAC no frequency). This sequence change creates a premature translational stop signal (p.Thr409Glnfs*16) in the NBN gene. It is expected to result in an absent or disrupted protein product. Loss-of-function variants in NBN are known to be pathogenic (PMID: 9590180, 16415040).

Literature cited by the submitters: PubMed 9590180 (cited by Labcorp Genetics (formerly Invitae), Labcorp); PubMed 16415040 (cited by Labcorp Genetics (formerly Invitae), Labcorp).